The following is an entry in ClinVar:

ClinVar aggregate classification (germline): Uncertain significance (1 of 4 stars; one submission).

Conditions:
KMT2E-related disorder. Also called: KMT2E-related condition.

Allele frequency attached by ClinVar (database versions not stated): TOPMed below 0.00001; gnomAD exomes 0.00001.
gnomAD v4.1: 9 of 1,614,202 alleles (0.00056%); highest among the groups gnomAD compares: Non-Finnish European, 0.00068%; no homozygotes.

Submission:

PreventionGenetics, part of Exact Sciences
Classification: Uncertain significance for KMT2E-related condition. Last evaluated: 2022-09-19. Review status: criteria provided, single submitter. Criteria: ACMG Guidelines, 2015. Collection method: clinical testing. Allele origin: germline.
Comment: The KMT2E c.4199A>C variant is predicted to result in the amino acid substitution p.Gln1400Pro. To our knowledge, this variant has not been reported in the literature or in a large population database, indicating this variant is rare. At this time, the clinical significance of this variant is uncertain due to the absence of conclusive functional and genetic evidence.

NM_182931.3(KMT2E):c.4199A>C (p.Gln1400Pro)

Gene: KMT2E (lysine methyltransferase 2E (inactive); plus strand). Cytogenetic location: 7q22.3.
Variant type: single nucleotide variant.
Coding change: c.4199A>C on transcript NM_182931.3 (MANE Select); coding-DNA position 4199, A replaced by C.
Protein change: p.Gln1400Pro; replaces glutamine 1400 with proline.
Molecular consequence: missense variant.
Genome position (GRCh38, 1-based): chr7:105,111,955, A>C. VCF-style: chr7-105111955-A-C. GRCh37 (hg19) VCF-style: chr7-104752402-A-C.
Other names: c.4073A>C, p.Gln1358Pro (NM_001410908.1); c.4199A>C, p.Gln1400Pro (NM_018682.4); short protein forms Q1358P, Q1400P.
Identifiers: ClinVar variation 2628478 (VCV002628478.1), dbSNP rs1799311792, ClinGen allele CA368791964.